The following is an entry in ClinVar:

ClinVar aggregate classification (germline): Likely benign (0 of 4 stars; one submission).

Conditions:
WDR72-related disorder. Also called: WDR72-related condition.

Allele frequency attached by ClinVar (database versions not stated): gnomAD 0.00002; ExAC 0.00003.
gnomAD v4.1: 18 of 1,603,948 alleles (0.0011%); highest among the groups gnomAD compares: Admixed American, 0.0084%; no homozygotes.

Submission:

PreventionGenetics, part of Exact Sciences
Classification: Likely benign for WDR72-related condition. Last evaluated: 2019-03-20. Review status: no assertion criteria provided. Collection method: clinical testing. Allele origin: germline.
Comment: This variant is classified as likely benign based on ACMG/AMP sequence variant interpretation guidelines (Richards et al. 2015 PMID: 25741868, with internal and published modifications).

NM_182758.4(WDR72):c.1569+8G>A

Gene: WDR72 (WD repeat domain 72; minus strand). Cytogenetic location: 15q21.3.
Variant type: single nucleotide variant.
Coding change: c.1569+8G>A on transcript NM_182758.4 (MANE Select); 8 bases into the intron after coding-DNA position 1569, G replaced by A.
Molecular consequence: intron variant.
Genome position (GRCh38, 1-based): chr15:53,702,126, C>T on the plus strand (G>A on the coding strand, the complement: WDR72 is on the minus strand). VCF-style: chr15-53702126-C-T. GRCh37 (hg19) VCF-style: chr15-53994323-C-T.
Identifiers: ClinVar variation 3058257 (VCV003058257.2), dbSNP rs767988638, ClinGen allele CA7571101.